The following is an entry in ClinVar:

ClinVar aggregate classification (germline): Uncertain significance (1 of 4 stars; one submission).

gnomAD v4.1: 10 of 1,613,948 alleles (0.00062%); highest among the groups gnomAD compares: Middle Eastern, 0.16%; no homozygotes.

Submission:

Labcorp Genetics (formerly Invitae), Labcorp
Classification: Uncertain significance. Last evaluated: 2024-07-12. Review status: criteria provided, single submitter. Criteria: Invitae Variant Classification Sherloc (09022015). Collection method: clinical testing. Allele origin: germline.
Comment: This sequence change replaces serine, which is neutral and polar, with arginine, which is basic and polar, at codon 1008 of the RNF31 protein (p.Ser1008Arg). This variant is not present in population databases (gnomAD no frequency). This variant has not been reported in the literature in individuals affected with RNF31-related conditions. An algorithm developed to predict the effect of missense changes on protein structure and function (PolyPhen-2) suggests that this variant is likely to be tolerated. In summary, the available evidence is currently insufficient to determine the role of this variant in disease. Therefore, it has been classified as a Variant of Uncertain Significance.

NM_017999.5(RNF31):c.3024C>A (p.Ser1008Arg)

Gene: RNF31 (ring finger protein 31; plus strand). Cytogenetic location: 14q12.
Variant type: single nucleotide variant.
Coding change: c.3024C>A on transcript NM_017999.5 (MANE Select); coding-DNA position 3024, C replaced by A.
Protein change: p.Ser1008Arg; replaces serine 1008 with arginine.
Molecular consequence: missense variant.
Genome position (GRCh38, 1-based): chr14:24,160,266, C>A. VCF-style: chr14-24160266-C-A. GRCh37 (hg19) VCF-style: chr14-24629475-C-A.
Other names: c.2571C>A, p.Ser857Arg (NM_001310332.2); short protein forms S1008R, S857R.
Identifiers: ClinVar variation 3676090 (VCV003676090.2).